The following is an entry in ClinVar:

ClinVar aggregate classification (germline): Uncertain significance (1 of 4 stars; one submission).

Conditions:
Inborn genetic diseases. Identifiers: MedGen C0950123, MeSH D030342.

Submission:

Ambry Genetics
Classification: Uncertain significance for Inborn genetic diseases. Last evaluated: 2025-05-07. Review status: criteria provided, single submitter. Criteria: Ambry Variant Classification Scheme 2023. Collection method: clinical testing. Allele origin: germline.
Comment: The p.A236E variant (also known as c.707C>A), located in coding exon 2 of the WT1 gene, results from a C to A substitution at nucleotide position 707. The alanine at codon 236 is replaced by glutamic acid, an amino acid with dissimilar properties. This amino acid position is conserved. In addition, the in silico prediction for this alteration is inconclusive. Based on the available evidence, the clinical significance of this variant remains unclear.

NM_024426.6(WT1):c.722C>A (p.Ala241Glu)

Gene: WT1 (WT1 transcription factor; minus strand). Cytogenetic location: 11p13.
Variant type: single nucleotide variant.
Coding change: c.722C>A on transcript NM_024426.6 (MANE Select); coding-DNA position 722, C replaced by A.
Protein change: p.Ala241Glu; replaces alanine 241 with glutamic acid.
Molecular consequence: missense variant. On other transcripts: 5 prime UTR variant (1), non-coding transcript variant (2), intron variant (2).
Genome position (GRCh38, 1-based): chr11:32,428,559, G>T on the plus strand (C>A on the coding strand, the complement: WT1 is on the minus strand). VCF-style: chr11-32428559-G-T. GRCh37 (hg19) VCF-style: chr11-32450105-G-T.
Other names: c.722C>A, p.Ala241Glu (NM_000378.6, NM_001407044.1, NM_001407045.1 and 4 more transcripts); c.71C>A, p.Ala24Glu (NM_001198551.2, NM_001198552.2); c.-41C>A (NM_001407051.1); c.503C>A, p.Ala168Glu (NM_001429031.1, NM_001429032.1, NM_001429033.1 and 1 more transcripts); c.662-501C>A (NM_001407050.1, NM_001407047.1); short protein forms A241E, A168E, A236E, A24E.
Identifiers: ClinVar variation 3982463 (VCV003982463.1).